The following is an entry in ClinVar:

ClinVar aggregate classification (germline): Likely benign (1 of 4 stars; one submission).

Submission:

CeGaT Center for Human Genetics Tuebingen
Classification: Likely benign. Last evaluated: 2026-07-01. Review status: criteria provided, single submitter. Criteria: CeGaT Center For Human Genetics Tuebingen Variant Classification Criteria Version 2. Collection method: clinical testing. Allele origin: germline. Affected: yes. Observed: 1 variant allele.
Comment: CAPN15: BP4, BP7

NM_005632.3(CAPN15):c.807C>T (p.Ala269=)

Gene: CAPN15 (calpain 15; plus strand). Cytogenetic location: 16p13.3.
Variant type: single nucleotide variant.
Coding change: c.807C>T on transcript NM_005632.3 (MANE Select); coding-DNA position 807, C replaced by T.
Protein change: p.Ala269=; no amino-acid change (alanine 269 retained).
Molecular consequence: synonymous variant.
Genome position (GRCh38, 1-based): chr16:547,645, C>T. VCF-style: chr16-547645-C-T. GRCh37 (hg19) VCF-style: chr16-597645-C-T.
Identifiers: ClinVar variation 5039165 (VCV005039165.1).